The following is an entry in ClinVar:

ClinVar aggregate classification (germline): Uncertain significance (1 of 4 stars; one submission).

Submission:

GeneDx
Classification: Uncertain significance. Last evaluated: 2019-12-02. Review status: criteria provided, single submitter. Criteria: GeneDx Variant Classification Process June 2021. Collection method: clinical testing. Allele origin: germline. Affected: yes.
Comment: Not observed in large population cohorts (Lek et al., 2016); In silico analysis, which includes protein predictors and evolutionary conservation, supports that this variant does not alter protein structure/function; This variant is associated with the following publications: (PMID: 26958806)

NM_000238.4(KCNH2):c.235G>C (p.Ala79Pro)

Gene: KCNH2 (potassium voltage-gated channel subfamily H member 2; minus strand). Cytogenetic location: 7q36.1.
Variant type: single nucleotide variant.
Coding change: c.235G>C on transcript NM_000238.4 (MANE Select); coding-DNA position 235, G replaced by C.
Protein change: p.Ala79Pro; replaces alanine 79 with proline.
Molecular consequence: missense variant.
Genome position (GRCh38, 1-based): chr7:150,974,783, C>G on the plus strand (G>C on the coding strand, the complement: KCNH2 is on the minus strand). VCF-style: chr7-150974783-C-G. GRCh37 (hg19) VCF-style: chr7-150671871-C-G.
Other names: p.A79P:GCC>CCC; c.58G>C, p.Ala20Pro (NM_001406755.1); c.235G>C, p.Ala79Pro (NM_172056.3); short protein forms A79P, A20P.
Identifiers: ClinVar variation 200778 (VCV000200778.5), dbSNP rs794728494, ClinGen allele CA006486.